The following is an entry in ClinVar:

ClinVar aggregate classification (germline): Uncertain significance. Review status: criteria provided, multiple submitters, no conflicts (2 of 4 stars). 3 submissions from 3 submitters: Uncertain significance (3). Last evaluated 2023-09-06.

Conditions:
Aneurysm-osteoarthritis syndrome. Also called: ANEURYSMS-OSTEOARTHRITIS SYNDROME; SMAD3-Related Loeys-Dietz Syndrome; Loeys-Dietz syndrome, type 1C; LOEYS-DIETZ SYNDROME WITH OSTEOARTHRITIS. Identifiers: Orphanet 284984, MedGen C3151087, MONDO:0013426, OMIM 613795.
Familial thoracic aortic aneurysm and aortic dissection (TAAD). Also called: Thoracic aortic aneurysms and dissections. Identifiers: Orphanet 91387, MedGen C4707243, MONDO:0019625.

Allele frequency attached by ClinVar (database versions not stated): gnomAD exomes below 0.00001; TOPMed 0.00001.

Submissions (3):

Labcorp Genetics (formerly Invitae), Labcorp
Classification: Uncertain significance for Familial thoracic aortic aneurysm and aortic dissection. Last evaluated: 2023-09-06. Review status: criteria provided, single submitter. Criteria: Invitae Variant Classification Sherloc (09022015). Collection method: clinical testing. Allele origin: germline.
Comment: This sequence change replaces methionine, which is neutral and non-polar, with threonine, which is neutral and polar, at codon 106 of the SMAD3 protein (p.Met106Thr). In summary, the available evidence is currently insufficient to determine the role of this variant in disease. Therefore, it has been classified as a Variant of Uncertain Significance. This variant is not present in population databases (gnomAD no frequency). This missense change has been observed in individual(s) with clinical features of SMAD3-related conditions (PMID: 25944730). ClinVar contains an entry for this variant (Variation ID: 1303261). Advanced modeling of protein sequence and biophysical properties (such as structural, functional, and spatial information, amino acid conservation, physicochemical variation, residue mobility, and thermodynamic stability) performed at Invitae indicates that this missense variant is not expected to disrupt SMAD3 protein function.

Fulgent Genetics
Classification: Uncertain significance for Aneurysm-osteoarthritis syndrome. Last evaluated: 2021-07-28. Review status: criteria provided, single submitter. Criteria: ACMG Guidelines, 2015. Collection method: clinical testing. Allele origin: unknown.

GeneDx
Classification: Uncertain significance. Last evaluated: 2019-04-05. Review status: criteria provided, single submitter. Criteria: GeneDx Variant Classification Process June 2021. Collection method: clinical testing. Allele origin: germline. Affected: yes.
Comment: Reported in a patient with pneumothorax and mitral valve prolapse (Wooderchak-Donahue et al., 2015) and in an adolescent patient with idiopathic scoliosis (Haller et al., 2015); Not observed in large population cohorts (Lek et al., 2016); In silico analysis, which includes protein predictors and evolutionary conservation, supports a deleterious effect; This variant is associated with the following publications: (PMID: 25944730, 26333736)

Literature cited by the submitters: PubMed 25944730 (cited by Labcorp Genetics (formerly Invitae), Labcorp).

NM_005902.4(SMAD3):c.317T>C (p.Met106Thr)

Gene: SMAD3 (SMAD family member 3; plus strand). Cytogenetic location: 15q22.33.
Variant type: single nucleotide variant.
Coding change: c.317T>C on transcript NM_005902.4 (MANE Select); coding-DNA position 317, T replaced by C.
Protein change: p.Met106Thr; replaces methionine 106 with threonine.
Molecular consequence: missense variant. On other transcripts: initiator codon variant (1).
Genome position (GRCh38, 1-based): chr15:67,165,005, T>C. VCF-style: chr15-67165005-T-C. GRCh37 (hg19) VCF-style: chr15-67457343-T-C.
Other names: c.2T>C, p.Met1Thr (NM_001145102.2); c.185T>C, p.Met62Thr (NM_001145103.2); short protein forms M106T, M1T, M62T.
Identifiers: ClinVar variation 1303261 (VCV001303261.7), dbSNP rs1301737199, ClinGen allele CA392954012.
Genomic context (GRCh38, chr15:67,165,005, plus strand): 5'-TCATCTACTGCCGCCTGTGGCGATGGCCAGACCTGCACAGCCACCACGAGCTACGGGCCA[T>C]GGAGCTGTGTGAGTTCGCCTTCAATATGAAGAAGGACGAGGTCTGCGTGAATCCCTACCA-3'
Protein context (NP_005893.1, residues 96-116): DLHSHHELRA[Met106Thr]ELCEFAFNMK